The following is an entry in ClinVar:

NM_022089.4(ATP13A2):c.2180T>C (p.Leu727Pro)

Gene: ATP13A2 (ATPase cation transporting 13A2; minus strand). Cytogenetic location: 1p36.13.
Variant type: single nucleotide variant.
Coding change: c.2180T>C on transcript NM_022089.4 (MANE Select); coding-DNA position 2180, T replaced by C.
Protein change: p.Leu727Pro; replaces leucine 727 with proline.
Molecular consequence: missense variant.
Genome position (GRCh38, 1-based): chr1:16,991,805, A>G on the plus strand (T>C on the coding strand, the complement: ATP13A2 is on the minus strand). VCF-style: chr1-16991805-A-G. GRCh37 (hg19) VCF-style: chr1-17318300-A-G.
Other names: c.2165T>C, p.Leu722Pro (NM_001141973.3, NM_001141974.3); short protein forms L722P, L727P.
Identifiers: ClinVar variation 1716226 (VCV001716226.3), dbSNP rs927414406, ClinGen allele CA18632644.
Genomic context (GRCh38, chr1:16,991,805, plus strand): 5'-ACGGCGCGGATGCGGGTCCTTCGCAGAGCCTGGATAACTGGCGTTGTCTGCGGCTTCAGT[A>G]GGTTCCTCATGACCAGCAGCCCCAGGAGGCTCAGGTCTCCTTCCACAGTGTCCCTGGAGG-3'
Protein context (NP_071372.1, residues 717-737): SLLGLLVMRN[Leu727Pro]LKPQTTPVIQ

ClinVar aggregate classification (germline): Uncertain significance (1 of 4 stars; one submission).

Conditions:
Kufor-Rakeb syndrome (KRS). Also called: PARKINSON DISEASE 9, AUTOSOMAL RECESSIVE, JUVENILE-ONSET. Identifiers: Orphanet 306674, Orphanet 314632, MedGen C1847640, MONDO:0011706, OMIM 606693.
Autosomal recessive spastic paraplegia type 78. Identifiers: Orphanet 513436, MedGen C5567893, MONDO:0014975, OMIM 617225.

Submission:

Labcorp Genetics (formerly Invitae), Labcorp
Classification: Uncertain significance for Kufor-Rakeb syndrome; Autosomal recessive spastic paraplegia type 78. Last evaluated: 2022-08-12. Review status: criteria provided, single submitter. Criteria: Invitae Variant Classification Sherloc (09022015). Collection method: clinical testing. Allele origin: germline.
Comment: This sequence change replaces leucine, which is neutral and non-polar, with proline, which is neutral and non-polar, at codon 727 of the ATP13A2 protein (p.Leu727Pro). This variant is not present in population databases (gnomAD no frequency). This variant has not been reported in the literature in individuals affected with ATP13A2-related conditions. Advanced modeling of protein sequence and biophysical properties (such as structural, functional, and spatial information, amino acid conservation, physicochemical variation, residue mobility, and thermodynamic stability) performed at Invitae indicates that this missense variant is not expected to disrupt ATP13A2 protein function. In summary, the available evidence is currently insufficient to determine the role of this variant in disease. Therefore, it has been classified as a Variant of Uncertain Significance.